The following is an entry in ClinVar:

ClinVar aggregate classification (germline): Pathogenic. Review status: criteria provided, multiple submitters, no conflicts (2 of 4 stars). 3 submissions from 3 submitters: Pathogenic (2). 1 of the submissions does not count toward it. Last evaluated 2024-02-29.

Conditions:
Pyruvate dehydrogenase E1-alpha deficiency (PDHAD). Also called: ATAXIA, INTERMITTENT, WITH PYRUVATE DEHYDROGENASE DEFICIENCY; ATAXIA WITH LACTIC ACIDOSIS I; ATAXIA, INTERMITTENT, WITH ABNORMAL PYRUVATE METABOLISM; Ataxia, intermittent, with pyruvate dehydrogenase, or decarboxylase, deficiency. Identifiers: Orphanet 79243, MedGen C1839413, MONDO:0010717, OMIM 312170.

Submissions (3):

GeneDx
Classification: Pathogenic. Last evaluated: 2024-02-29. Review status: criteria provided, single submitter. Criteria: GeneDx Variant Classification Process June 2021. Collection method: clinical testing. Allele origin: germline.
Comment: In silico analysis supports that this missense variant has a deleterious effect on protein structure/function; Not observed at significant frequency in large population cohorts (gnomAD); This variant is associated with the following publications: (PMID: 27290639, 27144126, Merkenschlager2011[CaseReport], 12621116, 33726816, 21914562, 21470495, 36693417, 16967364, 16552546)

Bioinformatics Unit, Institut Pasteur de Montevideo
Classification: Pathogenic for Pyruvate dehydrogenase E1-alpha deficiency. Review status: criteria provided, single submitter. Criteria: ACMG Guidelines, 2015. Collection method: clinical testing. Allele origin: germline. Inheritance: X-linked inheritance. Affected: yes. Observed: 1 hemizygote.

PDHA1 Study Group, University Children’s Hospital, Paracelsus Medical University
Classification: Pathogenic for Pyruvate dehydrogenase E1-alpha deficiency. Last evaluated: 2024-10-15. Review status: no assertion criteria provided. Collection method: research. Allele origin: de novo. Affected: yes. Observed: 17 variant alleles. Not counted in ClinVar's aggregate classification.
Comment: The NM_000284.3:c.262C>T (p.Arg88Cys) substitution is a missense variant in the PDHA1 gene. This variant is absent or extremely rare in population-based cohorts in the Genome Aggregation Database (gnomAD). In total, 17 individuals diagnosed with PDHA1-related pyruvate dehydrogenase complex (PDHc) deficiency (MIM #312170) harbor this variant, including 14 males and 2 females. Among these, 2 cases have confirmed de novo occurrence, and 10 are confirmed inherited. The variant is reported in 6 published cases (PMIDs: 36693417, 16552546, 16967364, 27290639, 27144126, 38497591), with an additional 11 unpublished cases from internal data. The last literature search is conducted on July 12, 2024. Individuals present with clinical features consistent with PDHA1-related PDHc deficiency. Based on the ACMG/AMP criteria applied (PS3, PM1, PM2, PM7, PP3), this variant is classified as pathogenic (P) (last assessment October 15, 2024).

Literature cited by the submitters: PubMed 36693417 (cited by PDHA1 Study Group, University Children’s Hospital, Paracelsus Medical University); PubMed 16552546 (cited by PDHA1 Study Group, University Children’s Hospital, Paracelsus Medical University); PubMed 16967364 (cited by PDHA1 Study Group, University Children’s Hospital, Paracelsus Medical University); PubMed 27290639 (cited by PDHA1 Study Group, University Children’s Hospital, Paracelsus Medical University); PubMed 27144126 (cited by PDHA1 Study Group, University Children’s Hospital, Paracelsus Medical University); PubMed 38497591 (cited by PDHA1 Study Group, University Children’s Hospital, Paracelsus Medical University); DOI 10.1093/brain/awaf430 (cited by PDHA1 Study Group, University Children’s Hospital, Paracelsus Medical University).

NM_000284.4(PDHA1):c.262C>T (p.Arg88Cys)

Gene: PDHA1 (pyruvate dehydrogenase E1 subunit alpha 1; plus strand). Cytogenetic location: Xp22.12.
Variant type: single nucleotide variant.
Coding change: c.262C>T on transcript NM_000284.4 (MANE Select); coding-DNA position 262, C replaced by T.
Protein change: p.Arg88Cys; replaces arginine 88 with cysteine.
Molecular consequence: missense variant.
Genome position (GRCh38, 1-based): chrX:19,350,081, C>T. VCF-style: chrX-19350081-C-T. GRCh37 (hg19) VCF-style: chrX-19368199-C-T.
Other names: c.376C>T, p.Arg126Cys (NM_001173454.2); c.262C>T, p.Arg88Cys (NM_001173455.2, NM_001173456.2); short protein forms R126C, R88C.
Identifiers: ClinVar variation 2662437 (VCV002662437.5), dbSNP rs2519339796, ClinGen allele CA412390594.